The following is an entry in ClinVar:

NM_153717.3(EVC):c.1247G>T (p.Arg416Leu)

Gene: EVC (EvC ciliary complex subunit 1; plus strand). Cytogenetic location: 4p16.2.
Variant type: single nucleotide variant.
Coding change: c.1247G>T on transcript NM_153717.3 (MANE Select); coding-DNA position 1247, G replaced by T.
Protein change: p.Arg416Leu; replaces arginine 416 with leucine.
Molecular consequence: missense variant.
Genome position (GRCh38, 1-based): chr4:5,752,984, G>T. VCF-style: chr4-5752984-G-T. GRCh37 (hg19) VCF-style: chr4-5754711-G-T.
Other names: c.1247G>T, p.Arg416Leu (NM_001306090.2, NM_001306092.2); short protein forms R416L.
Identifiers: ClinVar variation 4975296 (VCV004975296.1).

ClinVar aggregate classification (germline): Uncertain significance (1 of 4 stars; one submission).

Submission:

GeneDx
Classification: Uncertain significance. Last evaluated: 2026-01-30. Review status: criteria provided, single submitter. Criteria: GeneDx Variant Classification Process June 2021. Collection method: clinical testing. Allele origin: germline.
Comment: Not observed at significant frequency in large population cohorts (gnomAD); In silico analysis supports that this missense variant has a deleterious effect on protein structure/function; Has not been previously published as pathogenic or benign to our knowledge